The following is an entry in ClinVar:

ClinVar aggregate classification (germline): Benign/Likely benign. Review status: criteria provided, multiple submitters, no conflicts (2 of 4 stars). 7 submissions from 7 submitters: Benign (2); Likely benign (4). 1 of the submissions does not count toward it. Last evaluated 2025-12-15.

Conditions:
CDKN1C-related disorder. Also called: CDKN1C-related condition.
Beckwith-Wiedemann syndrome due to CDKN1C mutation. Identifiers: Orphanet 231120, MedGen C5680918, MONDO:0016476.
IMAGe syndrome. Also called: Intrauterine Growth Restriction, Metaphyseal Dysplasia, Adrenal Hypoplasia Congenita, and Genital Anomalies; Intrauterine growth retardation, metaphyseal dysplasia, adrenal hypoplasia congenita, and genital anomalies. Identifiers: Orphanet 85173, MedGen C1846009, MONDO:0013873, OMIM 614732.
Inborn genetic diseases. Identifiers: MedGen C0950123, MeSH D030342.
Beckwith-Wiedemann syndrome (BWS). Also called: Exomphalos macroglossia gigantism syndrome; EMG SYNDROME. Identifiers: Orphanet 116, MedGen C0004903, MONDO:0007534, OMIM 130650.

Allele frequency attached by ClinVar (database versions not stated): gnomAD 0.00013; gnomAD exomes 0.00013 and 0.00005; ExAC 0.00073; TOPMed 0.00008.
gnomAD v4.1: 86 of 1,497,220 alleles (0.0057%); highest among the groups gnomAD compares: Non-Finnish European, 0.0027%; no homozygotes.

Submissions (7):

Labcorp Genetics (formerly Invitae), Labcorp
Classification: Likely benign for Beckwith-Wiedemann syndrome. Last evaluated: 2025-12-15. Review status: criteria provided, single submitter. Criteria: Invitae Variant Classification Sherloc (09022015). Collection method: clinical testing. Allele origin: germline.

CeGaT Center for Human Genetics Tuebingen
Classification: Benign. Last evaluated: 2025-04-01. Review status: criteria provided, single submitter. Criteria: CeGaT Center For Human Genetics Tuebingen Variant Classification Criteria Version 2. Collection method: clinical testing. Allele origin: germline. Affected: yes. Observed: 1 variant allele.
Comment: CDKN1C: BS1, BS2

Blueprint Genetics
Classification: Likely benign. Last evaluated: 2022-12-08. Review status: criteria provided, single submitter. Criteria: ACMG Guidelines, 2015. Collection method: clinical testing. Allele origin: germline.

Ambry Genetics
Classification: Likely benign for Inborn genetic diseases. Last evaluated: 2021-06-14. Review status: criteria provided, single submitter. Criteria: Ambry Variant Classification Scheme 2023. Collection method: clinical testing. Allele origin: germline.

Sema4
Classification: Likely benign for Beckwith-Wiedemann syndrome. Last evaluated: 2021-06-03. Review status: criteria provided, single submitter. Criteria: Sema4 Curation Guidelines. Collection method: curation. Allele origin: germline.

University of Washington Department of Laboratory Medicine, University of Washington
Classification: Benign for Beckwith-Wiedemann syndrome due to CDKN1C mutation; Intrauterine growth retardation, metaphyseal dysplasia, adrenal hypoplasia congenita, and genital anomalies. Last evaluated: 2018-04-01. Review status: criteria provided, single submitter. Criteria: Tsai GJ et al. (Genet Med 2018). Collection method: research. Allele origin: maternal. Inheritance: Other. Affected: no.
Comment: The CDKN1C variant designated as NM_000076.2:c.353C>T (p.Pro118Leu) is classified as likely benign. The CDKN1C gene is a paternally imprinted gene. Maternally inherited pathogenic variants in the CDKN1C gene are associated with Beckwith-Wiedemann syndrome and IMAGE syndrome. However, missense variants associated with these syndromes are in different domains than the CDKN1C p.Pro118Leu missense variant (Arboleda et al 2012, PMID:22634751), indicating that this variant is less likely to cause disease. Bayesian analysis integrating this data (Tavtigian et al, 2018, PMID:29300386) gives less than 0.1% probability of pathogenicity, which is consistent with a classification of benign. This analysis was performed in conjunction with the family studies project as part of the University of Washington Find My Variant Study.

PreventionGenetics, part of Exact Sciences
Classification: Likely benign for CDKN1C-related condition. Last evaluated: 2024-02-22. Review status: no assertion criteria provided. Collection method: clinical testing. Allele origin: germline. Not counted in ClinVar's aggregate classification.
Comment: This variant is classified as likely benign based on ACMG/AMP sequence variant interpretation guidelines (Richards et al. 2015 PMID: 25741868, with internal and published modifications).

Literature cited by the submitters: PubMed 22634751 (cited by University of Washington Department of Laboratory Medicine, University of Washington).

NM_001122630.2(CDKN1C):c.320C>T (p.Pro107Leu)

Gene: CDKN1C (cyclin dependent kinase inhibitor 1C; minus strand). Cytogenetic location: 11p15.4.
Variant type: single nucleotide variant.
Coding change: c.320C>T on transcript NM_001122630.2 (MANE Select); coding-DNA position 320, C replaced by T.
Protein change: p.Pro107Leu; replaces proline 107 with leucine.
Molecular consequence: missense variant. On other transcripts: intron variant (1).
Genome position (GRCh38, 1-based): chr11:2,885,137, G>A on the plus strand (C>T on the coding strand, the complement: CDKN1C is on the minus strand). VCF-style: chr11-2885137-G-A. GRCh37 (hg19) VCF-style: chr11-2906367-G-A.
Other names: c.353C>T, p.Pro118Leu (LRG_533t1, NM_000076.2, NM_001362474.2); c.320C>T, p.Pro107Leu (NM_001122631.2); c.255+65C>T (NM_001362475.2); short protein forms P118L, P107L.
Identifiers: ClinVar variation 404254 (VCV000404254.25), dbSNP rs771731330, ClinGen allele CA5822212.